The following is an entry in ClinVar:

NM_024996.7(GFM1):c.1256C>T (p.Ala419Val)

Gene: GFM1 (G elongation factor mitochondrial 1; plus strand). Cytogenetic location: 3q25.32.
Variant type: single nucleotide variant.
Coding change: c.1256C>T on transcript NM_024996.7 (MANE Select); coding-DNA position 1256, C replaced by T.
Protein change: p.Ala419Val; replaces alanine 419 with valine.
Molecular consequence: missense variant. On other transcripts: non-coding transcript variant (4).
Genome position (GRCh38, 1-based): chr3:158,660,908, C>T. VCF-style: chr3-158660908-C-T. GRCh37 (hg19) VCF-style: chr3-158378697-C-T.
Other names: c.1313C>T, p.Ala438Val (NM_001308164.2); c.1256C>T, p.Ala419Val (NM_001308166.2); c.1175C>T, p.Ala392Val (NM_001374355.1); c.1139C>T, p.Ala380Val (NM_001374356.1); c.1031C>T, p.Ala344Val (NM_001374357.1); c.797C>T, p.Ala266Val (NM_001374358.1); c.689C>T, p.Ala230Val (NM_001374359.1, NM_001374360.1); c.572C>T, p.Ala191Val (NM_001374361.1); short protein forms A191V, A230V, A266V, A344V, A380V, A392V, A419V, A438V.
Identifiers: ClinVar variation 1195558 (VCV001195558.7), dbSNP rs1314322801, ClinGen allele CA355177876.

ClinVar aggregate classification (germline): Uncertain significance. Review status: criteria provided, multiple submitters, no conflicts (2 of 4 stars). 4 submissions from 4 submitters: Uncertain significance (3). 1 of the submissions does not count toward it. Last evaluated 2022-01-26.

Conditions:
Hepatoencephalopathy due to combined oxidative phosphorylation defect type 1. Also called: HEPATOENCEPHALOPATHY, EARLY FATAL PROGRESSIVE. Identifiers: Orphanet 137681, MedGen C1836797, MONDO:0012191, OMIM 609060.
Inborn genetic diseases. Identifiers: MedGen C0950123, MeSH D030342.

Allele frequency attached by ClinVar (database versions not stated): gnomAD exomes below 0.00001 and 0.00001; TOPMed below 0.00001.
gnomAD v4.1: 5 of 1,613,966 alleles (0.00031%); highest among the groups gnomAD compares: Admixed American, 0.0033%; no homozygotes.

Submissions (4):

Ambry Genetics
Classification: Uncertain significance for Inborn genetic diseases. Last evaluated: 2022-01-26. Review status: criteria provided, single submitter. Criteria: Ambry Variant Classification Scheme 2023. Collection method: clinical testing. Allele origin: germline.

GeneDx
Classification: Uncertain significance. Last evaluated: 2019-08-02. Review status: criteria provided, single submitter. Criteria: GeneDx Variant Classification Process June 2021. Collection method: clinical testing. Allele origin: germline. Affected: yes.
Comment: Not observed at a significant frequency in large population cohorts (Lek et al., 2016); In silico analysis, which includes protein predictors and evolutionary conservation, supports a deleterious effect; Has not been previously published as pathogenic or benign to our knowledge

Breakthrough Genomics
Classification: Uncertain significance. Review status: criteria provided, single submitter. Criteria: ACMG Guidelines, 2015. Collection method: not provided. Allele origin: germline. Inheritance: Autosomal recessive inheritance. Affected: yes.

Natera, Inc.
Classification: Uncertain significance for Combined oxidative phosphorylation deficiency 1. Last evaluated: 2020-04-23. Review status: no assertion criteria provided. Collection method: clinical testing. Allele origin: germline. Not counted in ClinVar's aggregate classification.